The following is an entry in ClinVar:

NM_025137.4(SPG11):c.2068-5C>T

Gene: SPG11 (SPG11 vesicle trafficking associated, spatacsin; minus strand). Cytogenetic location: 15q21.1.
Variant type: single nucleotide variant.
Coding change: c.2068-5C>T on transcript NM_025137.4 (MANE Select); 5 bases into the intron before coding-DNA position 2068, C replaced by T.
Molecular consequence: intron variant.
Genome position (GRCh38, 1-based): chr15:44,626,512, G>A on the plus strand (C>T on the coding strand, the complement: SPG11 is on the minus strand). VCF-style: chr15-44626512-G-A. GRCh37 (hg19) VCF-style: chr15-44918710-G-A.
Other names: c.2068-5C>T (NM_001160227.2).
Identifiers: ClinVar variation 1785312 (VCV001785312.2), dbSNP rs2505582967, ClinGen allele CA2580089482.

ClinVar aggregate classification (germline): Uncertain significance (1 of 4 stars; one submission).

Conditions:
Inborn genetic diseases. Identifiers: MedGen C0950123, MeSH D030342.

Submission:

Ambry Genetics
Classification: Uncertain significance for Inborn genetic diseases. Last evaluated: 2020-06-12. Review status: criteria provided, single submitter. Criteria: Ambry Variant Classification Scheme 2023. Collection method: clinical testing. Allele origin: germline.
Comment: The c.2068-5C>T intronic variant results from a C to T substitution 5 nucleotides upstream from coding exon 11 in the SPG11 gene. This nucleotide position is not well conserved in available vertebrate species. Using the BDGP and ESEfinder splice site prediction tools, this alteration is not predicted to have any significant effect on this splice acceptor/donor site; however, direct evidence is unavailable. Since supporting evidence is limited at this time, the clinical significance of this alteration remains unclear.